The following is an entry in ClinVar:

NM_032578.4(MYPN):c.3832C>T (p.Arg1278Trp)

Gene: MYPN (myopalladin; plus strand). Cytogenetic location: 10q21.3.
Variant type: single nucleotide variant.
Coding change: c.3832C>T on transcript NM_032578.4 (MANE Select); coding-DNA position 3832, C replaced by T.
Protein change: p.Arg1278Trp; replaces arginine 1278 with tryptophan.
Molecular consequence: missense variant. On other transcripts: non-coding transcript variant (2).
Genome position (GRCh38, 1-based): chr10:68,210,324, C>T. VCF-style: chr10-68210324-C-T. GRCh37 (hg19) VCF-style: chr10-69970081-C-T.
Other names: c.3832C>T, p.Arg1278Trp (NM_001256267.2); c.2950C>T, p.Arg984Trp (NM_001256268.2); c.3832C>T (NM_032578.2); short protein forms R1278W, R984W.
Identifiers: ClinVar variation 544039 (VCV000544039.19), dbSNP rs763054747, ClinGen allele CA376829942.

ClinVar aggregate classification (germline): Conflicting classifications of pathogenicity. Review status: criteria provided, conflicting classifications (1 of 4 stars). 5 submissions from 5 submitters: Uncertain significance (4); Likely benign (1). Last evaluated 2025-08-04.

Conditions:
MYPN-related disorder. Also called: MYPN-related condition.
Dilated cardiomyopathy 1KK (CMD1KK). Identifiers: Orphanet 154, Orphanet 75249, MedGen C3714995, MONDO:0014100, OMIM 615248.
Cardiovascular phenotype. Identifiers: MedGen CN230736.

Allele frequency attached by ClinVar (database versions not stated): TOPMed 0.00001; gnomAD 0.00002 and 0.00003.
gnomAD v4.1: 23 of 1,613,852 alleles (0.0014%); highest among the groups gnomAD compares: African/African-American, 0.011%; no homozygotes.

Submissions (5):

Ambry Genetics
Classification: Uncertain significance for Cardiovascular phenotype. Last evaluated: 2025-08-04. Review status: criteria provided, single submitter. Criteria: Ambry Variant Classification Scheme 2023. Collection method: clinical testing. Allele origin: germline.
Comment: The p.R1278W variant (also known as c.3832C>T), located in coding exon 19 of the MYPN gene, results from a C to T substitution at nucleotide position 3832. The arginine at codon 1278 is replaced by tryptophan, an amino acid with dissimilar properties. This variant has been reported in a control cohort (Mazzarotto F et al. Circulation, 2020 Feb;141:387-398). This amino acid position is well conserved in available vertebrate species. In addition, the in silico prediction for this alteration is inconclusive. Based on the available evidence, the clinical significance of this variant remains unclear.

PreventionGenetics, part of Exact Sciences
Classification: Uncertain significance for MYPN-related condition. Last evaluated: 2025-05-28. Review status: criteria provided, single submitter. Criteria: ACMG Guidelines, 2015. Collection method: clinical testing. Allele origin: germline.
Comment: The MYPN c.3832C>T variant is predicted to result in the amino acid substitution p.Arg1278Trp. To our knowledge, this variant has not been reported in the literature. This variant is reported in 0.0065% of alleles in individuals of South Asian descent in gnomAD. At this time, the clinical significance of this variant is uncertain due to the absence of conclusive functional and genetic evidence.

CeGaT Center for Human Genetics Tuebingen
Classification: Uncertain significance. Last evaluated: 2025-03-01. Review status: criteria provided, single submitter. Criteria: CeGaT Center For Human Genetics Tuebingen Variant Classification Criteria Version 2. Collection method: clinical testing. Allele origin: germline. Affected: yes. Observed: 1 variant allele.
Comment: MYPN: PM2

Labcorp Genetics (formerly Invitae), Labcorp
Classification: Uncertain significance for Dilated cardiomyopathy 1KK. Last evaluated: 2024-02-14. Review status: criteria provided, single submitter. Criteria: Invitae Variant Classification Sherloc (09022015). Collection method: clinical testing. Allele origin: germline.
Comment: This sequence change replaces arginine, which is basic and polar, with tryptophan, which is neutral and slightly polar, at codon 1278 of the MYPN protein (p.Arg1278Trp). This variant is present in population databases (no rsID available, gnomAD 0.006%). This variant has not been reported in the literature in individuals affected with MYPN-related conditions. ClinVar contains an entry for this variant (Variation ID: 544039). An algorithm developed to predict the effect of missense changes on protein structure and function (PolyPhen-2) suggests that this variant¬†is likely to be tolerated. In summary, the available evidence is currently insufficient to determine the role of this variant in disease. Therefore, it has been classified as a Variant of Uncertain Significance.

Blueprint Genetics
Classification: Likely benign. Last evaluated: 2023-09-07. Review status: criteria provided, single submitter. Criteria: ACMG Guidelines, 2015. Collection method: clinical testing. Allele origin: germline.

Literature cited by the submitters: PubMed 31983221 (cited by Ambry Genetics).